The following is an entry in ClinVar:

ClinVar aggregate classification (germline): Uncertain significance. Review status: criteria provided, multiple submitters, no conflicts (2 of 4 stars). 3 submissions from 3 submitters: Uncertain significance (3). Last evaluated 2023-02-27.

Allele frequency attached by ClinVar (database versions not stated): gnomAD 0.00001; TOPMed 0.00001; ExAC 0.00002.
gnomAD v4.1: 6 of 1,613,980 alleles (0.00037%); highest among the groups gnomAD compares: Non-Finnish European, 0.00051%; no homozygotes.

Submissions (3):

Mayo Clinic Laboratories, Mayo Clinic
Classification: Uncertain significance. Last evaluated: 2023-02-27. Review status: criteria provided, single submitter. Criteria: ACMG Guidelines, 2015. Collection method: clinical testing. Allele origin: germline. Observed: 1 variant allele.
Comment: BP1, BP2, PP3

Labcorp Genetics (formerly Invitae), Labcorp
Classification: Uncertain significance. Last evaluated: 2022-03-13. Review status: criteria provided, single submitter. Criteria: Invitae Variant Classification Sherloc (09022015). Collection method: clinical testing. Allele origin: germline.
Comment: In summary, the available evidence is currently insufficient to determine the role of this variant in disease. Therefore, it has been classified as a Variant of Uncertain Significance. Algorithms developed to predict the effect of missense changes on protein structure and function (SIFT, PolyPhen-2, Align-GVGD) all suggest that this variant is likely to be disruptive. This variant has not been reported in the literature in individuals affected with NOTCH3-related conditions. This variant is present in population databases (rs765827443, gnomAD 0.002%). This sequence change replaces glutamic acid, which is acidic and polar, with aspartic acid, which is acidic and polar, at codon 394 of the NOTCH3 protein (p.Glu394Asp).

CeGaT Center for Human Genetics Tuebingen
Classification: Uncertain significance. Last evaluated: 2022-03-01. Review status: criteria provided, single submitter. Criteria: CeGaT Center For Human Genetics Tuebingen Variant Classification Criteria Version 2. Collection method: clinical testing. Allele origin: germline. Affected: yes. Observed: 1 variant allele.
Comment: NOTCH3: PP2, PP3

NM_000435.3(NOTCH3):c.1182G>T (p.Glu394Asp)

Gene: NOTCH3 (notch receptor 3; minus strand). Cytogenetic location: 19p13.12.
Variant type: single nucleotide variant.
Coding change: c.1182G>T on transcript NM_000435.3 (MANE Select); coding-DNA position 1182, G replaced by T.
Protein change: p.Glu394Asp; replaces glutamic acid 394 with aspartic acid.
Molecular consequence: missense variant.
Genome position (GRCh38, 1-based): chr19:15,189,283, C>A on the plus strand (G>T on the coding strand, the complement: NOTCH3 is on the minus strand). VCF-style: chr19-15189283-C-A. GRCh37 (hg19) VCF-style: chr19-15300094-C-A.
Other names: p.Glu394Asp; short protein forms E394D.
Identifiers: ClinVar variation 2175409 (VCV002175409.29), dbSNP rs765827443, ClinGen allele CA9263703.